The following is an entry in ClinVar:

ClinVar aggregate classification (germline): Pathogenic/Likely pathogenic. Review status: criteria provided, multiple submitters, no conflicts (2 of 4 stars). 8 submissions from 8 submitters: Pathogenic (1); Likely pathogenic (5). 2 of the submissions do not count toward it. Last evaluated 2026-02-06.

Conditions:
Donnai-Barrow syndrome. Also called: DBS/FOAR SYNDROME; FACIOOCULOACOUSTICORENAL SYNDROME. Identifiers: Orphanet 2143, MedGen C1857277, MONDO:0009104, OMIM 222448.
LRP2-related disorder. Also called: LRP2-related condition.

Allele frequency attached by ClinVar (database versions not stated): gnomAD exomes below 0.00001 and 0.00001; gnomAD 0.00001.
gnomAD v4.1: 11 of 1,612,330 alleles (0.00068%); highest among the groups gnomAD compares: African/African-American, 0.0013%; no homozygotes.

Submissions (8):

Dasa
Classification: Likely pathogenic. Last evaluated: 2026-02-06. Review status: criteria provided, single submitter. Criteria: DASA Assertion Criteria. Collection method: clinical testing. Allele origin: germline.
Comment: NM_004525.3(LRP2):c.2639+1G>A affects a canonical splice site and is predicted to disrupt normal RNA splicing. Loss of function is an established disease mechanism for LRP2-associated disorders. This variant has been recurrently observed in individuals with LRP2-related disorders (PMID: 35599849; PMID: 23048173). Functional evidence supports an impact on the gene or gene product (PMID: 35599849; PMID: 23048173). Also, this variant is rare in population databases. Based on the currently available evidence, this variant is classified as likely pathogenic.

Myriad Genetics, Inc.
Classification: Likely pathogenic for Donnai-Barrow syndrome. Last evaluated: 2025-05-07. Review status: criteria provided, single submitter. Criteria: Myriad Autosomal Dominant, Autosomal Recessive and X-Linked Classification Criteria (2023). Collection method: clinical testing. Allele origin: unknown.
Comment: NM_004525.2(LRP2):c.2639+1G>A is a variant in a canonical splice site classified as likely pathogenic in the context of Donnai-Barrow syndrome. c.2639+1G>A has been observed in cases with relevant disease (PMID: 35599849, 33103447). Relevant functional assessments of this variant are not available in the literature. c.2639+1G>A has been observed in referenced population frequency databases. In summary, NM_004525.2(LRP2):c.2639+1G>A is a variant in a canonical splice site that has been observed more frequently in cases with the relevant disease than in healthy populations. Please note: this variant was assessed in the context of healthy population screening.

Labcorp Genetics (formerly Invitae), Labcorp
Classification: Pathogenic. Last evaluated: 2024-12-02. Review status: criteria provided, single submitter. Criteria: Invitae Variant Classification Sherloc (09022015). Collection method: clinical testing. Allele origin: germline.
Comment: This sequence change affects a donor splice site in intron 18 of the LRP2 gene. It is expected to disrupt RNA splicing. Variants that disrupt the donor or acceptor splice site typically lead to a loss of protein function (PMID: 16199547), and loss-of-function variants in LRP2 are known to be pathogenic (PMID: 17632512, 25682901). The frequency data for this variant in the population databases is considered unreliable, as metrics indicate poor data quality at this position in the gnomAD database. Disruption of this splice site has been observed in individuals with Donnai-Barrow syndrome (PMID: 23048173; internal data). It has also been observed to segregate with disease in related individuals. ClinVar contains an entry for this variant (Variation ID: 559644). Algorithms developed to predict the effect of sequence changes on RNA splicing suggest that this variant may disrupt the consensus splice site. For these reasons, this variant has been classified as Pathogenic.

Blueprint Genetics
Classification: Likely pathogenic for LRP2-related disorders. Last evaluated: 2024-08-02. Review status: criteria provided, single submitter. Criteria: ACMG Guidelines, 2015. Collection method: clinical testing. Allele origin: germline. Affected: yes. Observed: 2 variant alleles.

Laboratorio de Genetica e Diagnostico Molecular, Hospital Israelita Albert Einstein
Classification: Likely pathogenic for Donnai-Barrow syndrome. Last evaluated: 2024-03-15. Review status: criteria provided, single submitter. Criteria: ACMG Guidelines, 2015. Collection method: clinical testing. Allele origin: germline. Affected: yes.
Comment: ACMG classification criteria: PVS1 moderate, PM2 supporting, PM3 moderate, PP1 supporting

Fulgent Genetics
Classification: Likely pathogenic for Donnai-Barrow syndrome. Last evaluated: 2024-02-13. Review status: criteria provided, single submitter. Criteria: ACMG Guidelines, 2015. Collection method: clinical testing. Allele origin: germline.

Yale Center for Mendelian Genomics, Yale University
Classification: Likely pathogenic for Donnai-Barrow syndrome. Last evaluated: 2020-10-26. Review status: no assertion criteria provided. Collection method: literature only. Allele origin: germline. Affected: yes. Observed: 2 homozygotes. Study: Yale Center for Mendelian Genomics. Not counted in ClinVar's aggregate classification.

Molecular Genetics Laboratory, BC Children's and BC Women's Hospitals
Classification: Pathogenic for Donnai-Barrow syndrome. Last evaluated: 2018-04-12. Review status: no assertion criteria provided. Criteria: ACMG Guidelines, 2015. Collection method: clinical testing. Allele origin: germline. Affected: yes. Not counted in ClinVar's aggregate classification.

Literature cited by the submitters: PubMed 35599849 (cited by Dasa and Myriad Genetics, Inc.); PubMed 23048173 (cited by Dasa and Labcorp Genetics (formerly Invitae), Labcorp); PubMed 33103447 (cited by Myriad Genetics, Inc. and Yale Center for Mendelian Genomics, Yale University); PubMed 16199547 (cited by Labcorp Genetics (formerly Invitae), Labcorp); PubMed 17632512 (cited by Labcorp Genetics (formerly Invitae), Labcorp); PubMed 25682901 (cited by Labcorp Genetics (formerly Invitae), Labcorp).

NM_004525.3(LRP2):c.2639+1G>A

Gene: LRP2 (LDL receptor related protein 2; minus strand). Cytogenetic location: 2q31.1.
Variant type: single nucleotide variant.
Coding change: c.2639+1G>A on transcript NM_004525.3 (MANE Select); the canonical splice donor site of the intron after coding-DNA position 2639, G replaced by A.
Molecular consequence: splice donor variant.
Genome position (GRCh38, 1-based): chr2:169,257,123, C>T on the plus strand (G>A on the coding strand, the complement: LRP2 is on the minus strand). VCF-style: chr2-169257123-C-T. GRCh37 (hg19) VCF-style: chr2-170113633-C-T.
Identifiers: ClinVar variation 559644 (VCV000559644.13), dbSNP rs746752313, ClinGen allele CA59920545.